The following is an entry in ClinVar:

ClinVar aggregate classification (germline): Uncertain significance (1 of 4 stars; one submission).

Submission:

GeneDx
Classification: Uncertain significance. Last evaluated: 2023-01-25. Review status: criteria provided, single submitter. Criteria: GeneDx Variant Classification Process June 2021. Collection method: clinical testing. Allele origin: germline. Affected: yes.
Comment: Not observed at significant frequency in large population cohorts (gnomAD); In silico analysis supports that this missense variant has a deleterious effect on protein structure/function; Has not been previously published as pathogenic or benign to our knowledge

NM_001122659.3(EDNRB):c.470T>A (p.Ile157Asn)

Gene: EDNRB (endothelin receptor type B; minus strand). Cytogenetic location: 13q22.3.
Variant type: single nucleotide variant.
Coding change: c.470T>A on transcript NM_001122659.3 (MANE Select); coding-DNA position 470, T replaced by A.
Protein change: p.Ile157Asn; replaces isoleucine 157 with asparagine.
Molecular consequence: missense variant.
Genome position (GRCh38, 1-based): chr13:77,918,104, A>T on the plus strand (T>A on the coding strand, the complement: EDNRB is on the minus strand). VCF-style: chr13-77918104-A-T. GRCh37 (hg19) VCF-style: chr13-78492239-A-T.
Other names: c.470T>A, p.Ile157Asn (NM_000115.5, NM_003991.4); c.740T>A, p.Ile247Asn (NM_001201397.2); short protein forms I157N, I247N.
Identifiers: ClinVar variation 2574380 (VCV002574380.1), dbSNP rs2501606742, ClinGen allele CA388452268.
Genomic context (GRCh38, chr13:77,918,104, plus strand): 5'-AGGCCCCCTTCCTCAAGCCCACCATGATTTCAGCAGGCGCCCTTTACCTTGTAGACATTG[A>T]TAGGGATGTCAATGACGATGTGCAGCAGGTCTCCCAGAGCCAAGCTGGCGATCAAGATAT-3'
Protein context (NP_001116131.1, residues 147-167): DLLHIVIDIP[Ile157Asn]NVYKLLAEDW